The following is an entry in ClinVar:

NM_000051.4(ATM):c.9114G>C (p.Gln3038His)

Genes: ATM (ATM serine/threonine kinase; plus strand), C11orf65 (chromosome 11 open reading frame 65; minus strand). Cytogenetic location: 11q22.3.
Variant type: single nucleotide variant.
Coding change: c.9114G>C on transcript NM_000051.4 (MANE Select); coding-DNA position 9114, G replaced by C.
Protein change: p.Gln3038His; replaces glutamine 3038 with histidine.
Molecular consequence: missense variant. On other transcripts: intron variant (2).
Genome position (GRCh38, 1-based): chr11:108,365,451, G>C. VCF-style: chr11-108365451-G-C. GRCh37 (hg19) VCF-style: chr11-108236178-G-C.
Other names: c.9114G>C, p.Gln3038His (NM_001351834.2); c.640+20469C>G (NM_001330368.2); c.694+20469C>G (NM_001351110.2); short protein forms Q3038H.
Identifiers: ClinVar variation 1017165 (VCV001017165.9), dbSNP rs2091254206, ClinGen allele CA382531999.
Genomic context (GRCh38, chr11:108,365,451, plus strand): 5'-AGGAGTGGAAGAAGGCACTGTGCTCAGTGTTGGTGGACAAGTGAATTTGCTCATACAGCA[G>C]GCCATAGACCCCAAAAATCTCAGCCGACTTTTCCCAGGATGGAAAGCTTGGGTGTGATCT-3'
Protein context (NP_000042.3, residues 3028-3048): VGGQVNLLIQ[Gln3038His]AIDPKNLSRL

ClinVar aggregate classification (germline): Uncertain significance. Review status: criteria provided, multiple submitters, no conflicts (2 of 4 stars). 2 submissions from 2 submitters: Uncertain significance (2). Last evaluated 2025-11-11.

Conditions:
Hereditary cancer-predisposing syndrome. Also called: Neoplastic Syndromes, Hereditary; Tumor predisposition; Hereditary Cancer Syndrome; Hereditary neoplastic syndrome. Identifiers: Orphanet 140162, MedGen C0027672, MeSH D009386, MONDO:0015356.
Ataxia-telangiectasia syndrome (AT). Also called: Ataxia telangiectasia (A-T); ATAXIA-TELANGIECTASIA, COMPLEMENTATION GROUP A; ATAXIA-TELANGIECTASIA, FRESNO VARIANT; Ataxia-telangiectasia; Ataxia-telangiectasia, complementation group E; LOUIS-BAR SYNDROME. Identifiers: Orphanet 100, MedGen C0004135, MONDO:0008840, OMIM 208900.

Submissions (2):

Ambry Genetics
Classification: Uncertain significance for Hereditary cancer-predisposing syndrome. Last evaluated: 2025-11-11. Review status: criteria provided, single submitter. Criteria: Ambry Variant Classification Scheme 2023. Collection method: clinical testing. Allele origin: germline.
Comment: The p.Q3038H variant (also known as c.9114G>C), located in coding exon 62 of the ATM gene, results from a G to C substitution at nucleotide position 9114. The glutamine at codon 3038 is replaced by histidine, an amino acid with highly similar properties. This amino acid position is conserved. In addition, the in silico prediction for this alteration is inconclusive. Since supporting evidence is limited at this time, the clinical significance of this alteration remains unclear.

Labcorp Genetics (formerly Invitae), Labcorp
Classification: Uncertain significance for Ataxia-telangiectasia syndrome. Last evaluated: 2024-04-08. Review status: criteria provided, single submitter. Criteria: Invitae Variant Classification Sherloc (09022015). Collection method: clinical testing. Allele origin: germline.
Comment: This sequence change replaces glutamine, which is neutral and polar, with histidine, which is basic and polar, at codon 3038 of the ATM protein (p.Gln3038His). This variant is not present in population databases (gnomAD no frequency). This variant has not been reported in the literature in individuals affected with ATM-related conditions. ClinVar contains an entry for this variant (Variation ID: 1017165). An algorithm developed to predict the effect of missense changes on protein structure and function (PolyPhen-2) suggests that this variant is likely to be disruptive. In summary, the available evidence is currently insufficient to determine the role of this variant in disease. Therefore, it has been classified as a Variant of Uncertain Significance.